The following is an entry in ClinVar:

ClinVar aggregate classification (germline): Uncertain significance (1 of 4 stars; one submission).

gnomAD v4.1: 1 of 1,613,698 alleles (0.000062%); highest among the groups gnomAD compares: Middle Eastern, 0.017%; no homozygotes.

Submission:

Labcorp Genetics (formerly Invitae), Labcorp
Classification: Uncertain significance. Last evaluated: 2024-01-04. Review status: criteria provided, single submitter. Criteria: Invitae Variant Classification Sherloc (09022015). Collection method: clinical testing. Allele origin: germline.
Comment: This sequence change replaces proline, which is neutral and non-polar, with leucine, which is neutral and non-polar, at codon 1218 of the TOP2B protein (p.Pro1218Leu). This variant is not present in population databases (gnomAD no frequency). This variant has not been reported in the literature in individuals affected with TOP2B-related conditions. An algorithm developed to predict the effect of missense changes on protein structure and function (PolyPhen-2) suggests that this variant is likely to be tolerated. In summary, the available evidence is currently insufficient to determine the role of this variant in disease. Therefore, it has been classified as a Variant of Uncertain Significance.

NM_001330700.2(TOP2B):c.3668C>T (p.Pro1223Leu)

Gene: TOP2B (DNA topoisomerase II beta; minus strand). Cytogenetic location: 3p24.2.
Variant type: single nucleotide variant.
Coding change: c.3668C>T on transcript NM_001330700.2 (MANE Select); coding-DNA position 3668, C replaced by T.
Protein change: p.Pro1223Leu; replaces proline 1223 with leucine.
Molecular consequence: missense variant.
Genome position (GRCh38, 1-based): chr3:25,612,633, G>A on the plus strand (C>T on the coding strand, the complement: TOP2B is on the minus strand). VCF-style: chr3-25612633-G-A. GRCh37 (hg19) VCF-style: chr3-25654124-G-A.
Other names: c.3653C>T, p.Pro1218Leu (NM_001068.3); short protein forms P1218L, P1223L.
Identifiers: ClinVar variation 2705357 (VCV002705357.3), dbSNP rs1427175440, ClinGen allele CA351894884.